The following is an entry in ClinVar:

ClinVar aggregate classification (germline): Uncertain significance. Review status: criteria provided, multiple submitters, no conflicts (2 of 4 stars). 2 submissions from 2 submitters: Uncertain significance (2). Last evaluated 2025-08-14.

Conditions:
Inborn genetic diseases. Identifiers: MedGen C0950123, MeSH D030342.

Allele frequency attached by ClinVar (database versions not stated): gnomAD exomes below 0.00001; TOPMed below 0.00001.
gnomAD v4.1: 1 of 1,614,134 alleles (0.000062%); highest among the groups gnomAD compares: African/African-American, 0.0013%; no homozygotes.

Submissions (2):

Ambry Genetics
Classification: Uncertain significance for Inborn genetic diseases. Last evaluated: 2025-08-14. Review status: criteria provided, single submitter. Criteria: Ambry Variant Classification Scheme 2023. Collection method: clinical testing. Allele origin: germline.

GeneDx
Classification: Uncertain significance. Last evaluated: 2022-07-25. Review status: criteria provided, single submitter. Criteria: GeneDx Variant Classification Process June 2021. Collection method: clinical testing. Allele origin: germline. Affected: yes.
Comment: Not observed at significant frequency in large population cohorts (gnomAD); In silico analysis supports that this missense variant has a deleterious effect on protein structure/function; Has not been previously published as pathogenic or benign to our knowledge

NM_000254.3(MTR):c.2857C>T (p.Pro953Ser)

Gene: MTR (5-methyltetrahydrofolate-homocysteine methyltransferase; plus strand). Cytogenetic location: 1q43.
Variant type: single nucleotide variant.
Coding change: c.2857C>T on transcript NM_000254.3 (MANE Select); coding-DNA position 2857, C replaced by T.
Protein change: p.Pro953Ser; replaces proline 953 with serine.
Molecular consequence: missense variant.
Genome position (GRCh38, 1-based): chr1:236,889,186, C>T. VCF-style: chr1-236889186-C-T. GRCh37 (hg19) VCF-style: chr1-237052486-C-T.
Other names: c.2704C>T, p.Pro902Ser (NM_001291939.1); c.1636C>T, p.Pro546Ser (NM_001291940.2); c.2668C>T, p.Pro890Ser (NM_001410942.1); short protein forms P546S, P890S, P902S, P953S.
Identifiers: ClinVar variation 2412897 (VCV002412897.4), dbSNP rs1012977522, ClinGen allele CA39765248.